The following is an entry in ClinVar:

NM_004456.5(EZH2):c.958C>G (p.Leu320Val)

Gene: EZH2 (enhancer of zeste 2 polycomb repressive complex 2 subunit; minus strand). Cytogenetic location: 7q36.1.
Variant type: single nucleotide variant.
Coding change: c.958C>G on transcript NM_004456.5 (MANE Select); coding-DNA position 958, C replaced by G.
Protein change: p.Leu320Val; replaces leucine 320 with valine.
Molecular consequence: missense variant.
Genome position (GRCh38, 1-based): chr7:148,819,637, G>C on the plus strand (C>G on the coding strand, the complement: EZH2 is on the minus strand). VCF-style: chr7-148819637-G-C. GRCh37 (hg19) VCF-style: chr7-148516729-G-C.
Other names: c.943C>G, p.Leu315Val (NM_001203247.2); c.916C>G, p.Leu306Val (NM_001203248.2, NM_001203249.2); c.826C>G, p.Leu276Val (NM_152998.3); short protein forms L320V, L306V, L276V, L315V.
Identifiers: ClinVar variation 459205 (VCV000459205.10), dbSNP rs6954744, ClinGen allele CA369718295.

ClinVar aggregate classification (germline): Uncertain significance. Review status: criteria provided, multiple submitters, no conflicts (2 of 4 stars). 2 submissions from 2 submitters: Uncertain significance (2). Last evaluated 2024-03-30.

Conditions:
Weaver syndrome (WVS). Also called: Weaver Smith syndrome; Overgrowth syndrome with accelerated skeletal maturation, unusual facies, and camptodactyly. Identifiers: Orphanet 3447, MedGen C0265210, MONDO:0010193, OMIM 277590.
Inborn genetic diseases. Identifiers: MedGen C0950123, MeSH D030342.

Allele frequency attached by ClinVar (database versions not stated): gnomAD exomes below 0.00001; gnomAD 0.00001; TOPMed 0.00001.
gnomAD v4.1: 3 of 1,614,008 alleles (0.00019%); highest among the groups gnomAD compares: African/African-American, 0.0027%; no homozygotes.

Submissions (2):

Labcorp Genetics (formerly Invitae), Labcorp
Classification: Uncertain significance for Weaver syndrome. Last evaluated: 2024-03-30. Review status: criteria provided, single submitter. Criteria: Invitae Variant Classification Sherloc (09022015). Collection method: clinical testing. Allele origin: germline.
Comment: This sequence change replaces leucine, which is neutral and non-polar, with valine, which is neutral and non-polar, at codon 320 of the EZH2 protein (p.Leu320Val). This variant is not present in population databases (gnomAD no frequency). This variant has not been reported in the literature in individuals affected with EZH2-related conditions. ClinVar contains an entry for this variant (Variation ID: 459205). Advanced modeling of protein sequence and biophysical properties (such as structural, functional, and spatial information, amino acid conservation, physicochemical variation, residue mobility, and thermodynamic stability) performed at Invitae indicates that this missense variant is not expected to disrupt EZH2 protein function with a negative predictive value of 80%. In summary, the available evidence is currently insufficient to determine the role of this variant in disease. Therefore, it has been classified as a Variant of Uncertain Significance.

Ambry Genetics
Classification: Uncertain significance for Inborn genetic diseases. Last evaluated: 2023-12-16. Review status: criteria provided, single submitter. Criteria: Ambry Variant Classification Scheme 2023. Collection method: clinical testing. Allele origin: germline.